The following is an entry in ClinVar:

NM_000222.3(KIT):c.1900C>G (p.Arg634Gly)

Gene: KIT (KIT proto-oncogene, receptor tyrosine kinase; plus strand). Cytogenetic location: 4q12.
Variant type: single nucleotide variant.
Coding change: c.1900C>G on transcript NM_000222.3 (MANE Select); coding-DNA position 1900, C replaced by G.
Protein change: p.Arg634Gly; replaces arginine 634 with glycine.
Molecular consequence: missense variant.
Genome position (GRCh38, 1-based): chr4:54,728,031, C>G. VCF-style: chr4-54728031-C-G. GRCh37 (hg19) VCF-style: chr4-55594197-C-G.
Other names: c.1888C>G, p.Arg630Gly (NM_001093772.2, NM_001385286.1); c.1903C>G, p.Arg635Gly (NM_001385284.1, NM_001385290.1); c.1900C>G, p.Arg634Gly (NM_001385285.1); c.1891C>G, p.Arg631Gly (NM_001385288.1, NM_001385292.1); short protein forms R634G, R630G, R631G, R635G.
Identifiers: ClinVar variation 935569 (VCV000935569.12), dbSNP rs144369407, ClinGen allele CA2923611.
Genomic context (GRCh38, chr4:54,728,031, plus strand): 5'-CAGTTGTGCTTTTTGCTAAAATGCATGTTTCCAATTTTAGCGAGTGCCCATTTGACAGAA[C>G]GGGAAGCCCTCATGTCTGAACTCAAAGTCCTGAGTTACCTTGGTAATCACATGAATATTG-3'
Protein context (NP_000213.1, residues 624-644): MLKPSAHLTE[Arg634Gly]EALMSELKVL

ClinVar aggregate classification (germline): Uncertain significance. Review status: criteria provided, multiple submitters, no conflicts (2 of 4 stars). 2 submissions from 2 submitters: Uncertain significance (2). Last evaluated 2024-03-27.

Conditions:
Hereditary cancer-predisposing syndrome. Also called: Hereditary neoplastic syndrome; Neoplastic Syndromes, Hereditary; Hereditary Cancer Syndrome; Tumor predisposition. Identifiers: Orphanet 140162, MedGen C0027672, MeSH D009386, MONDO:0015356.
Gastrointestinal stromal tumor. Also called: Gastrointestinal stromal tumor, somatic; Gastrointestinal stroma tumor. Identifiers: Orphanet 44890, MedGen C0238198, MeSH D046152, MONDO:0011719, OMIM 606764, HP:0100723.

Allele frequency attached by ClinVar (database versions not stated): gnomAD 0.00001.
gnomAD v4.1: 3 of 1,613,836 alleles (0.00019%); highest among the groups gnomAD compares: East Asian, 0.0022%; no homozygotes.

Submissions (2):

Labcorp Genetics (formerly Invitae), Labcorp
Classification: Uncertain significance for Gastrointestinal stromal tumor. Last evaluated: 2024-03-27. Review status: criteria provided, single submitter. Criteria: Invitae Variant Classification Sherloc (09022015). Collection method: clinical testing. Allele origin: germline.
Comment: This sequence change replaces arginine, which is basic and polar, with glycine, which is neutral and non-polar, at codon 634 of the KIT protein (p.Arg634Gly). This variant is present in population databases (rs144369407, gnomAD 0.005%). This variant has not been reported in the literature in individuals affected with KIT-related conditions. ClinVar contains an entry for this variant (Variation ID: 935569). An algorithm developed to predict the effect of missense changes on protein structure and function (PolyPhen-2) suggests that this variant is likely to be disruptive. In summary, the available evidence is currently insufficient to determine the role of this variant in disease. Therefore, it has been classified as a Variant of Uncertain Significance.

Ambry Genetics
Classification: Uncertain significance for Hereditary cancer-predisposing syndrome. Last evaluated: 2023-05-24. Review status: criteria provided, single submitter. Criteria: Ambry Variant Classification Scheme 2023. Collection method: clinical testing. Allele origin: germline.
Comment: The p.R634G variant (also known as c.1900C>G), located in coding exon 13 of the KIT gene, results from a C to G substitution at nucleotide position 1900. The arginine at codon 634 is replaced by glycine, an amino acid with dissimilar properties. This amino acid position is not well conserved in available vertebrate species. In addition, the in silico prediction for this alteration is inconclusive. Since supporting evidence is limited at this time, the clinical significance of this alteration remains unclear.